The following is an entry in ClinVar:

ClinVar aggregate classification (germline): Uncertain significance (1 of 4 stars; one submission).

Submission:

Ambry Genetics
Classification: Uncertain significance. Last evaluated: 2022-11-24. Review status: criteria provided, single submitter. Criteria: Ambry Variant Classification Scheme 2023. Collection method: clinical testing. Allele origin: germline.
Comment: The p.P985R variant (also known as c.2954C>G), located in coding exon 4 of the ALPK2 gene, results from a C to G substitution at nucleotide position 2954. The proline at codon 985 is replaced by arginine, an amino acid with dissimilar properties. This amino acid position is conserved. In addition, this alteration is predicted to be tolerated by in silico analysis. Since supporting evidence is limited at this time, the clinical significance of this alteration remains unclear.

NM_052947.4(ALPK2):c.2954C>G (p.Pro985Arg)

Gene: ALPK2 (alpha kinase 2; minus strand). Cytogenetic location: 18q21.31.
Variant type: single nucleotide variant.
Coding change: c.2954C>G on transcript NM_052947.4 (MANE Select); coding-DNA position 2954, C replaced by G.
Protein change: p.Pro985Arg; replaces proline 985 with arginine.
Molecular consequence: missense variant.
Genome position (GRCh38, 1-based): chr18:58,537,233, G>C on the plus strand (C>G on the coding strand, the complement: ALPK2 is on the minus strand). VCF-style: chr18-58537233-G-C. GRCh37 (hg19) VCF-style: chr18-56204465-G-C.
Other names: short protein forms P985R.
Identifiers: ClinVar variation 2449210 (VCV002449210.2), dbSNP rs551156952, ClinGen allele CA402569417.
Genomic context (GRCh38, chr18:58,537,233, plus strand): 5'-GTCTCCCTGGTCGCTTGAAAGCACTCATTATTAGCAGTTAATGTTGTTGGCTTCTCCCAA[G>C]GAAAACTCACAATTGAACTATAACTGGCTGGTGTGGCTGTGGTGTCTGCGGCACTAGGAC-3'
Protein context (NP_443179.3, residues 975-995): PASYSSIVSF[Pro985Arg]WEKPTTLTAN